The following is an entry in ClinVar:

ClinVar aggregate classification (germline): Uncertain significance. Review status: criteria provided, multiple submitters, no conflicts (2 of 4 stars). 2 submissions from 2 submitters: Uncertain significance (2). Last evaluated 2025-09-28.

Allele frequency attached by ClinVar (database versions not stated): gnomAD 0.00001; TOPMed 0.00002.

Submissions (2):

Ambry Genetics
Classification: Uncertain significance. Last evaluated: 2025-09-28. Review status: criteria provided, single submitter. Criteria: Ambry Variant Classification Scheme 2023. Collection method: clinical testing. Allele origin: germline.

Labcorp Genetics (formerly Invitae), Labcorp
Classification: Uncertain significance. Last evaluated: 2024-11-05. Review status: criteria provided, single submitter. Criteria: Invitae Variant Classification Sherloc (09022015). Collection method: clinical testing. Allele origin: germline.
Comment: This sequence change replaces arginine, which is basic and polar, with cysteine, which is neutral and slightly polar, at codon 130 of the PALM protein (p.Arg130Cys). This variant is present in population databases (rs746327383, gnomAD 0.01%). This variant has not been reported in the literature in individuals affected with PALM-related conditions. ClinVar contains an entry for this variant (Variation ID: 1434825). An algorithm developed to predict the effect of missense changes on protein structure and function (PolyPhen-2) suggests that this variant is likely to be tolerated. In summary, the available evidence is currently insufficient to determine the role of this variant in disease. Therefore, it has been classified as a Variant of Uncertain Significance.

NM_002579.3(PALM):c.388C>T (p.Arg130Cys)

Gene: PALM (paralemmin; plus strand). Cytogenetic location: 19p13.3.
Variant type: single nucleotide variant.
Coding change: c.388C>T on transcript NM_002579.3 (MANE Select); coding-DNA position 388, C replaced by T.
Protein change: p.Arg130Cys; replaces arginine 130 with cysteine.
Molecular consequence: missense variant.
Genome position (GRCh38, 1-based): chr19:731,213, C>T. VCF-style: chr19-731213-C-T. GRCh37 (hg19) VCF-style: chr19-731213-C-T.
Other names: c.388C>T (NM_002579.2); c.388C>T, p.Arg130Cys (NM_001040134.2); short protein forms R130C.
Identifiers: ClinVar variation 1434825 (VCV001434825.8), dbSNP rs746327383, ClinGen allele CA9022546.